The following is an entry in ClinVar:

ClinVar aggregate classification (germline): Likely benign (1 of 4 stars; one submission).

Submission:

CeGaT Center for Human Genetics Tuebingen
Classification: Likely benign. Last evaluated: 2023-04-01. Review status: criteria provided, single submitter. Criteria: CeGaT Center For Human Genetics Tuebingen Variant Classification Criteria Version 2. Collection method: clinical testing. Allele origin: germline. Affected: yes. Observed: 1 variant allele.
Comment: PLEC: PM2:Supporting, BP4, BP7

NM_201384.3(PLEC):c.10173G>T (p.Ala3391=)

Gene: PLEC (plectin; minus strand). Cytogenetic location: 8q24.3.
Variant type: single nucleotide variant.
Coding change: c.10173G>T on transcript NM_201384.3 (MANE Select); coding-DNA position 10173, G replaced by T.
Protein change: p.Ala3391=; no amino-acid change (alanine 3391 retained).
Molecular consequence: synonymous variant.
Genome position (GRCh38, 1-based): chr8:143,919,648, C>A on the plus strand (G>T on the coding strand, the complement: PLEC is on the minus strand). VCF-style: chr8-143919648-C-A. GRCh37 (hg19) VCF-style: chr8-144993816-C-A.
Other names: c.10254G>T, p.Ala3418= (NM_000445.5); c.6873G>T, p.Ala2291= (NM_001410941.1); c.10131G>T, p.Ala3377= (NM_201378.4); c.10107G>T, p.Ala3369= (NM_201379.3); c.10584G>T, p.Ala3528= (NM_201380.4); c.10077G>T, p.Ala3359= (NM_201381.3); c.10173G>T, p.Ala3391= (NM_201382.4); c.10185G>T, p.Ala3395= (NM_201383.3).
Identifiers: ClinVar variation 2658943 (VCV002658943.24), dbSNP rs549730049, ClinGen allele CA463529987.
Genomic context (GRCh38, chr8:143,919,648, plus strand): 5'-CTCGTGGACATACAGGCGCTGGTTCCGCACGGGGTCCACCAGGAAGCCAGTGGCCGCCTG[C>A]GCCTCCAGCAGGAGCGCAGCCGTTGTGGCTCTCAGCAGGCCCCGGCGCATGGCCTCGTAG-3'
Protein context (NP_958786.1, residues 3381-3401): RATTAALLLE[Ala3391=]QAATGFLVDP